The following is an entry in ClinVar:

ClinVar aggregate classification (germline): Uncertain significance. Review status: criteria provided, multiple submitters, no conflicts (2 of 4 stars). 2 submissions from 2 submitters: Uncertain significance (2). Last evaluated 2025-10-26.

Conditions:
Cardiovascular phenotype. Identifiers: MedGen CN230736.
RASopathy. Also called: rasopathies; Noonan spectrum disorder. Identifiers: Orphanet 536391, MedGen C5555857, MONDO:0021060.

gnomAD v4.1: 1 of 1,614,034 alleles (0.000062%); highest among the groups gnomAD compares: Non-Finnish European, 0.000085%; no homozygotes.

Submissions (2):

Ambry Genetics
Classification: Uncertain significance for Cardiovascular phenotype. Last evaluated: 2025-10-26. Review status: criteria provided, single submitter. Criteria: Ambry Variant Classification Scheme 2023. Collection method: clinical testing. Allele origin: germline.
Comment: The p.P573H variant (also known as c.1718C>A), located in coding exon 11 of the CBL gene, results from a C to A substitution at nucleotide position 1718. The proline at codon 573 is replaced by histidine, an amino acid with similar properties. This amino acid position is conserved. In addition, the in silico prediction for this alteration is inconclusive. Based on the available evidence, the clinical significance of this variant remains unclear.

Labcorp Genetics (formerly Invitae), Labcorp
Classification: Uncertain significance for RASopathy. Last evaluated: 2025-01-28. Review status: criteria provided, single submitter. Criteria: Invitae Variant Classification Sherloc (09022015). Collection method: clinical testing. Allele origin: germline.
Comment: This sequence change replaces proline, which is neutral and non-polar, with histidine, which is basic and polar, at codon 573 of the CBL protein (p.Pro573His). This variant is present in population databases (no rsID available, gnomAD 0.007%). This variant has not been reported in the literature in individuals affected with CBL-related conditions. Invitae Evidence Modeling of protein sequence and biophysical properties (such as structural, functional, and spatial information, amino acid conservation, physicochemical variation, residue mobility, and thermodynamic stability) indicates that this missense variant is not expected to disrupt CBL protein function with a negative predictive value of 95%. In summary, the available evidence is currently insufficient to determine the role of this variant in disease. Therefore, it has been classified as a Variant of Uncertain Significance.

NM_005188.4(CBL):c.1718C>A (p.Pro573His)

Gene: CBL (Cbl proto-oncogene; plus strand). Cytogenetic location: 11q23.3.
Variant type: single nucleotide variant.
Coding change: c.1718C>A on transcript NM_005188.4 (MANE Select); coding-DNA position 1718, C replaced by A.
Protein change: p.Pro573His; replaces proline 573 with histidine.
Molecular consequence: missense variant.
Genome position (GRCh38, 1-based): chr11:119,285,343, C>A. VCF-style: chr11-119285343-C-A. GRCh37 (hg19) VCF-style: chr11-119156053-C-A.
Other names: c.1718C>A (NM_005188.2); short protein forms P573H.
Identifiers: ClinVar variation 3725576 (VCV003725576.3).